The following is an entry in ClinVar:

ClinVar aggregate classification (germline): Likely benign (1 of 4 stars; one submission).

gnomAD v4.1: 9,318 of 1,613,452 alleles (0.58%); highest among the groups gnomAD compares: Non-Finnish European, 0.69%; 48 homozygotes.

Submission:

CeGaT Center for Human Genetics Tuebingen
Classification: Likely benign. Last evaluated: 2026-07-01. Review status: criteria provided, single submitter. Criteria: CeGaT Center For Human Genetics Tuebingen Variant Classification Criteria Version 2. Collection method: clinical testing. Allele origin: germline. Affected: yes. Observed: 12 variant alleles.
Comment: SIN3B: BP4, BP7, BS2

NM_001297595.2(SIN3B):c.2808C>T (p.Ile936=)

Gene: SIN3B (SIN3 transcription regulator family member B; plus strand). Cytogenetic location: 19p13.11.
Variant type: single nucleotide variant.
Coding change: c.2808C>T on transcript NM_001297595.2 (MANE Select); coding-DNA position 2808, C replaced by T.
Protein change: p.Ile936=; no amino-acid change (isoleucine 936 retained).
Molecular consequence: synonymous variant.
Genome position (GRCh38, 1-based): chr19:16,876,527, C>T. VCF-style: chr19-16876527-C-T. GRCh37 (hg19) VCF-style: chr19-16987338-C-T.
Other names: c.1578C>T, p.Ile526= (NM_001297597.2); c.2904C>T, p.Ile968= (NM_015260.4).
Identifiers: ClinVar variation 3777837 (VCV003777837.7).